The following is an entry in ClinVar:

NM_000368.5(TSC1):c.3290G>A (p.Arg1097His)

Gene: TSC1 (TSC complex subunit 1; minus strand). Cytogenetic location: 9q34.13.
Variant type: single nucleotide variant.
Coding change: c.3290G>A on transcript NM_000368.5 (MANE Select); coding-DNA position 3290, G replaced by A.
Protein change: p.Arg1097His; replaces arginine 1097 with histidine.
Molecular consequence: missense variant.
Genome position (GRCh38, 1-based): chr9:132,896,440, C>T on the plus strand (G>A on the coding strand, the complement: TSC1 is on the minus strand). VCF-style: chr9-132896440-C-T. GRCh37 (hg19) VCF-style: chr9-135771827-C-T.
Other names: c.3287G>A, p.Arg1096His (NM_001162426.2); c.3137G>A, p.Arg1046His (NM_001162427.2); c.2927G>A, p.Arg976His (NM_001362177.2); short protein forms R1097H, R1096H, R1046H, R976H.
Identifiers: ClinVar variation 49020 (VCV000049020.27), dbSNP rs118203750, ClinGen allele CA007301.

ClinVar aggregate classification (germline): Benign/Likely benign. Review status: criteria provided, multiple submitters, no conflicts (2 of 4 stars). 12 submissions from 12 submitters: Benign (4); Likely benign (3). 5 of the submissions do not count toward it. Last evaluated 2026-01-17.

Conditions:
Hereditary cancer-predisposing syndrome. Also called: Neoplastic Syndromes, Hereditary; Tumor predisposition; Hereditary Cancer Syndrome; Hereditary neoplastic syndrome. Identifiers: Orphanet 140162, MedGen C0027672, MeSH D009386, MONDO:0015356.
Tuberous sclerosis syndrome (TSC). Also called: Tuberous Sclerosis Complex; Tuberous sclerosis. Identifiers: Orphanet 805, MedGen C0041341, MONDO:0001734.
Tuberous sclerosis 1 (TSC1). Identifiers: Orphanet 805, MedGen C1854465, MONDO:0008612, OMIM 191100.
TSC1-related disorder. Also called: TSC1-related condition.

Allele frequency attached by ClinVar (database versions not stated): gnomAD 0.00001; TOPMed 0.00001; ExAC 0.00002; gnomAD exomes 0.00002.
gnomAD v4.1: 23 of 1,614,048 alleles (0.0014%); highest among the groups gnomAD compares: Middle Eastern, 0.016%; no homozygotes.

Submissions (12):

Labcorp Genetics (formerly Invitae), Labcorp
Classification: Benign for Tuberous sclerosis 1. Last evaluated: 2026-01-17. Review status: criteria provided, single submitter. Criteria: Invitae Variant Classification Sherloc (09022015). Collection method: clinical testing. Allele origin: germline.

Quest Diagnostics Nichols Institute San Juan Capistrano
Classification: Likely benign. Last evaluated: 2025-01-30. Review status: criteria provided, single submitter. Criteria: Quest Diagnostics criteria. Collection method: clinical testing. Allele origin: unknown.

All of Us Research Program, National Institutes of Health
Classification: Benign for Tuberous sclerosis syndrome. Last evaluated: 2024-08-13. Review status: criteria provided, single submitter. Criteria: ACMG Guidelines, 2015. Collection method: clinical testing. Allele origin: germline. Inheritance: Autosomal dominant inheritance. Observed: 3 variant alleles, 3 heterozygotes.
Comment: This study involves interpretation of variants in research participants for the purpose of population health screening. Participant phenotype was not available at the time of variant classification. Additional details can be found in publication PMID: 35346344, PMCID: PMC8962531

Ambry Genetics
Classification: Likely benign for Hereditary cancer-predisposing syndrome. Last evaluated: 2022-12-06. Review status: criteria provided, single submitter. Criteria: Ambry Variant Classification Scheme 2023. Collection method: clinical testing. Allele origin: germline.

Color Diagnostics, LLC DBA Color Health
Classification: Benign for Tuberous sclerosis syndrome. Last evaluated: 2022-07-28. Review status: criteria provided, single submitter. Criteria: ACMG Guidelines, 2015. Collection method: clinical testing. Allele origin: germline.

Genome-Nilou Lab
Classification: Likely benign for Tuberous sclerosis 1. Last evaluated: 2021-11-07. Review status: criteria provided, single submitter. Criteria: ACMG Guidelines, 2015. Collection method: clinical testing. Allele origin: germline. Affected: no.

GeneDx
Classification: Benign. Last evaluated: 2021-02-25. Review status: criteria provided, single submitter. Criteria: GeneDx Variant Classification Process June 2021. Collection method: clinical testing. Allele origin: germline. Affected: yes.
Comment: This variant is associated with the following publications: (PMID: 18830229, 32906206, 21309039)

PreventionGenetics, part of Exact Sciences
Classification: Likely benign for TSC1-related condition. Last evaluated: 2024-06-10. Review status: no assertion criteria provided. Collection method: clinical testing. Allele origin: germline. Not counted in ClinVar's aggregate classification.
Comment: This variant is classified as likely benign based on ACMG/AMP sequence variant interpretation guidelines (Richards et al. 2015 PMID: 25741868, with internal and published modifications).

Clinical Genetics DNA and cytogenetics Diagnostics Lab, Erasmus MC, Erasmus Medical Center
Classification: Uncertain significance. Review status: no assertion criteria provided. Collection method: clinical testing. Allele origin: germline. Affected: yes. Study: VKGL Data-share Consensus. Not counted in ClinVar's aggregate classification.

Clinical Genetics, Academic Medical Center
Classification: Uncertain significance. Review status: no assertion criteria provided. Collection method: clinical testing. Allele origin: germline. Affected: yes. Study: VKGL Data-share Consensus. Not counted in ClinVar's aggregate classification.

Joint Genome Diagnostic Labs from Nijmegen and Maastricht, Radboudumc and MUMC+
Classification: Uncertain significance. Review status: no assertion criteria provided. Collection method: clinical testing. Allele origin: germline. Affected: yes. Study: VKGL Data-share Consensus. Not counted in ClinVar's aggregate classification.

Tuberous sclerosis database (TSC1)
No classification provided. Condition: TSC. Review status: no classification provided. Criteria: Tuberous Sclerosis Database Assertion Criteria 2015. Collection method: curation. Allele origin: germline. Affected: yes. Not counted in ClinVar's aggregate classification.

Literature cited by the submitters: PubMed 18830229 (cited by Ambry Genetics); PubMed 21309039 (cited by Ambry Genetics); PubMed 23514105 (cited by Ambry Genetics); PubMed 28518168 (cited by Ambry Genetics); PubMed 32461654 (cited by Ambry Genetics).